The following is an entry in ClinVar:

NM_031844.3(HNRNPU):c.2299A>T (p.Asn767Tyr)

Gene: HNRNPU (heterogeneous nuclear ribonucleoprotein U; minus strand). Cytogenetic location: 1q44.
Variant type: single nucleotide variant.
Coding change: c.2299A>T on transcript NM_031844.3 (MANE Select); coding-DNA position 2299, A replaced by T.
Protein change: p.Asn767Tyr; replaces asparagine 767 with tyrosine.
Molecular consequence: missense variant.
Genome position (GRCh38, 1-based): chr1:244,855,477, T>A on the plus strand (A>T on the coding strand, the complement: HNRNPU is on the minus strand). VCF-style: chr1-244855477-T-A. GRCh37 (hg19) VCF-style: chr1-245018779-T-A.
Other names: c.2242A>T, p.Asn748Tyr (NM_004501.3); short protein forms N748Y, N767Y.
Identifiers: ClinVar variation 4798506 (VCV004798506.1).

ClinVar aggregate classification (germline): Uncertain significance (1 of 4 stars; one submission).

Conditions:
Developmental and epileptic encephalopathy, 54. Also called: Epileptic encephalopathy, early infantile, 54; HNRNPU-Related Neurodevelopmental Disorder. Identifiers: MedGen C4479319, MONDO:0033363, OMIM 617391.

Submission:

Labcorp Genetics (formerly Invitae), Labcorp
Classification: Uncertain significance for Developmental and epileptic encephalopathy, 54. Last evaluated: 2025-04-07. Review status: criteria provided, single submitter. Criteria: Invitae Variant Classification Sherloc (09022015). Collection method: clinical testing. Allele origin: germline.
Comment: This sequence change replaces asparagine, which is neutral and polar, with tyrosine, which is neutral and polar, at codon 767 of the HNRNPU protein (p.Asn767Tyr). This variant is not present in population databases (gnomAD no frequency). This variant has not been reported in the literature in individuals affected with HNRNPU-related conditions. Invitae Evidence Modeling of protein sequence and biophysical properties (such as structural, functional, and spatial information, amino acid conservation, physicochemical variation, residue mobility, and thermodynamic stability) indicates that this missense variant is not expected to disrupt HNRNPU protein function with a negative predictive value of 95%. In summary, the available evidence is currently insufficient to determine the role of this variant in disease. Therefore, it has been classified as a Variant of Uncertain Significance.